The following is an entry in ClinVar:

NM_012281.3(KCND2):c.1510A>G (p.Met504Val)

Gene: KCND2 (potassium voltage-gated channel subfamily D member 2; plus strand). Cytogenetic location: 7q31.31.
Variant type: single nucleotide variant.
Coding change: c.1510A>G on transcript NM_012281.3 (MANE Select); coding-DNA position 1510, A replaced by G.
Protein change: p.Met504Val; replaces methionine 504 with valine.
Molecular consequence: missense variant.
Genome position (GRCh38, 1-based): chr7:120,745,822, A>G. VCF-style: chr7-120745822-A-G. GRCh37 (hg19) VCF-style: chr7-120385876-A-G.
Other names: short protein forms M504V.
Identifiers: ClinVar variation 836847 (VCV000836847.9), dbSNP rs1792998586, ClinGen allele CA369135398.

ClinVar aggregate classification (germline): Uncertain significance (1 of 4 stars; one submission).

Conditions:
Early Myoclonic Encephalopathy. Identifiers: MedGen C0270855.

Allele frequency attached by ClinVar (database versions not stated): gnomAD exomes 0.00001.
gnomAD v4.1: 10 of 1,613,784 alleles (0.00062%); highest among the groups gnomAD compares: Non-Finnish European, 0.00085%; no homozygotes.

Submission:

Labcorp Genetics (formerly Invitae), Labcorp
Classification: Uncertain significance for Early Myoclonic Encephalopathy. Last evaluated: 2019-01-27. Review status: criteria provided, single submitter. Criteria: Invitae Variant Classification Sherloc (09022015). Collection method: clinical testing. Allele origin: germline.
Comment: In summary, the available evidence is currently insufficient to determine the role of this variant in disease. Therefore, it has been classified as a Variant of Uncertain Significance. Algorithms developed to predict the effect of missense changes on protein structure and function (SIFT, PolyPhen-2, Align-GVGD) all suggest that this variant is likely to be tolerated, but these predictions have not been confirmed by published functional studies and their clinical significance is uncertain. This variant has not been reported in the literature in individuals with KCND2-related conditions. This variant is not present in population databases (ExAC no frequency). This sequence change replaces methionine with valine at codon 504 of the KCND2 protein (p.Met504Val). The methionine residue is moderately conserved and there is a small physicochemical difference between methionine and valine.